The following continues an entry in ClinVar:

NM_002834.5(PTPN11):c.417G>C (p.Glu139Asp)

Gene: PTPN11. ClinVar aggregate classification (germline): Pathogenic. Pathogenic (1).

Submissions 35 to 50 of 50:

Molecular Diagnostics Lab, Nemours Children's Health, Delaware
Classification: Pathogenic. Last evaluated: 2015-10-05. Review status: criteria provided, single submitter. Criteria: ACMG Guidelines, 2015. Collection method: clinical testing. Allele origin: paternal. Affected: yes. Observed: 1 variant allele. Not counted in ClinVar's aggregate classification.

Eurofins Ntd Llc (ga)
Classification: Pathogenic. Last evaluated: 2015-08-17. Review status: criteria provided, single submitter. Criteria: EGL Classification Definitions. Collection method: clinical testing. Allele origin: germline. Observed: 5 variant alleles, 5 heterozygotes. Not counted in ClinVar's aggregate classification.

Center of Genomic medicine, Geneva, University Hospital of Geneva
Classification: Pathogenic for Noonan syndrome 1. Last evaluated: 2015-03-24. Review status: criteria provided, single submitter. Criteria: ACMG Guidelines, 2015. Collection method: clinical testing. Allele origin: de novo. Affected: yes. Not counted in ClinVar's aggregate classification.

Centre for Human Genetics
Classification: Pathogenic for Noonan syndrome 1. Review status: criteria provided, single submitter. Criteria: ACMG Guidelines, 2015. Collection method: clinical testing. Allele origin: de novo. Inheritance: Autosomal dominant inheritance. Affected: yes. Observed: 1 variant allele. Not counted in ClinVar's aggregate classification.
Comment: The PTPN11 c.417G>C; p.Glu139Asp variant is shown to alter the phosphopeptide-binding specificity (PMID: 18372317). This variant is considered to be pathogenic as the variant leads to functional dysregulation and increased catalytic activity of the protein upon stimulation (PMID: 18372317, PMID: 16358218)

Clinical Genetics Service, Universitary Hospital 12 de Octubre
Classification: Pathogenic for Noonan syndrome 1. Review status: criteria provided, single submitter. Criteria: ACMG Guidelines, 2015. Collection method: clinical testing. Allele origin: germline. Affected: yes. Not counted in ClinVar's aggregate classification.

Genetic Testing Center for Deafness, Department of Otolaryngology Head & Neck Surgery, Institute of Otolaryngology, Chinese PLA General Hospital
Classification: Pathogenic for Noonan syndrome 1. Review status: criteria provided, single submitter. Criteria: ClinGen HL ACMG Specifications v1. Collection method: case-control. Allele origin: de novo. Affected: yes. Observed: 1 variant allele. Not counted in ClinVar's aggregate classification.

Genomics England Pilot Project, Genomics England
Classification: Likely pathogenic for Noonan syndrome 1. Review status: criteria provided, single submitter. Criteria: ACGS Guidelines, 2016. Collection method: clinical testing. Allele origin: germline. Affected: yes. Not counted in ClinVar's aggregate classification.

Institute for Genomic Statistics and Bioinformatics, University Hospital Bonn
Classification: Pathogenic for Noonan syndrome 1. Review status: criteria provided, single submitter. Criteria: ACMG Guidelines, 2015. Collection method: clinical testing. Allele origin: unknown. Affected: yes. Observed: 1 variant allele. Not counted in ClinVar's aggregate classification.

Juno Genomics, Hangzhou Juno Genomics, Inc
Classification: Pathogenic for Noonan syndrome 1. Review status: criteria provided, single submitter. Criteria: ACMG Guidelines, 2015. Collection method: clinical testing. Allele origin: germline. Affected: yes. Not counted in ClinVar's aggregate classification.
Comment: De novo (both maternity and paternity confirmed) in a patient with the disease and no family history.;The prevalence of the variant in affected individuals is significantly increased compared to the prevalence in controls.;Absent from controls (or at extremely low frequency if recessive) in Genome Aggregation Database, Exome Sequencing Project, 1000 Genomes Project, or Exome Aggregation Consortium.;Well-established in vitro or in vivo functional studies supportive of a damaging effect on the gene or gene product.;Missense variant in a gene that has a low rate of benign missense variation and where missense variants are a common mechanism of disease.

Neuberg Centre For Genomic Medicine, NCGM
Classification: Pathogenic for LEOPARD syndrome 1. Review status: criteria provided, single submitter. Criteria: ACMG Guidelines, 2015. Collection method: clinical testing. Allele origin: germline. Inheritance: Autosomal dominant inheritance. Affected: yes. Not counted in ClinVar's aggregate classification.
Comment: The observed missense c.417G>Cp.Glu139Asp variant in PTPN11 gene has been reported in heterozygous state in individuals affected with PTPN11 related syndromeTartaglia M, et. al.,2002; Bertola DR, et. al.,2006; Ko JM, et. al., 2008; Pauli S, et. al.,2012. Experimental studies have shown that this missense change affects PTPN11 function Keilhack H, et. al.,2005; Müller PJ, et. al.,2013. The p.Glu139Asp variant is absent in gnomAD Exomes database. This variant has been submitted to the ClinVar database as Likely pathogenic/ Pathogenic multiple submission. Multiple lines of computational evidence Polyphen - Probably Damaging, SIFT - Damaging and MutationTaster - Disease causing predict damaging effect on protein structure and function for this variant. The reference amino acid in PTPN11 is predicted as conserved by GERP++ and PhyloP across 100 vertebrates. The amino acid Glu at position 139 is changed to a Asp changing protein sequence and it might alter its composition and physico-chemical properties. For these reasons, this variant has been classified as Pathogenic.

Biochemical Molecular Genetic Laboratory, King Abdulaziz Medical City
Classification: Pathogenic for Noonan syndrome 1. Last evaluated: 2020-09-10. Review status: no assertion criteria provided. Collection method: clinical testing. Allele origin: germline. Affected: yes. Not counted in ClinVar's aggregate classification.

Greenwood Genetic Center Diagnostic Laboratories, Greenwood Genetic Center
Classification: Pathogenic. Last evaluated: 2015-01-15. Review status: no assertion criteria provided. Collection method: clinical testing. Allele origin: germline. Not counted in ClinVar's aggregate classification.

Baylor Genetics
Classification: Pathogenic for Rasopathy. Review status: no assertion criteria provided. Collection method: clinical testing. Allele origin: unknown. Affected: yes. Not counted in ClinVar's aggregate classification.
Comment: Variant classified using ACMG guidelines

Clinical Genetics, Academic Medical Center
Classification: Pathogenic. Review status: no assertion criteria provided. Collection method: clinical testing. Allele origin: germline. Affected: yes. Study: VKGL Data-share Consensus. Not counted in ClinVar's aggregate classification.

Joint Genome Diagnostic Labs from Nijmegen and Maastricht, Radboudumc and MUMC+
Classification: Pathogenic. Review status: no assertion criteria provided. Collection method: clinical testing. Allele origin: germline. Affected: yes. Study: VKGL Data-share Consensus. Not counted in ClinVar's aggregate classification.

NIHR Bioresource Rare Diseases, University of Cambridge
Classification: Pathogenic for Brachycephaly; Microcephaly; Ptosis; Pectus excavatum; Global developmental delay. Review status: no assertion criteria provided. Collection method: research. Allele origin: unknown. Affected: yes. Observed: 1 variant allele. Not counted in ClinVar's aggregate classification.

Literature cited by the submitters: PubMed 22315187 (cited by 4 submitters); PubMed 11992261 (cited by 8 submitters); PubMed 15987685 (cited by 5 submitters); PubMed 17020470 (cited by 5 submitters); PubMed 23584145 (cited by 5 submitters); PubMed 18372317 (cited by 7 submitters); PubMed 29493581 (cited by 3billion); PubMed 24628801 (cited by Variantyx, Inc. and Labcorp Genetics (formerly Invitae), Labcorp); PubMed 34368936 (cited by Variantyx, Inc.); PubMed 17339163 (cited by Labcorp Genetics (formerly Invitae), Labcorp and Laboratory for Molecular Medicine, Mass General Brigham Personalized Medicine); PubMed 19020799 (cited by Labcorp Genetics (formerly Invitae), Labcorp and Laboratory for Molecular Medicine, Mass General Brigham Personalized Medicine); PubMed 21533187 (cited by Victorian Clinical Genetics Services, Murdoch Childrens Research Institute); PubMed 24935154 (cited by Victorian Clinical Genetics Services, Murdoch Childrens Research Institute); PubMed 26918529 (cited by Ambry Genetics); PubMed 28363362 (cited by Ambry Genetics); PubMed 29907801 (cited by Ambry Genetics); PubMed 30410095 (cited by Ambry Genetics); PubMed 30417923 (cited by Ambry Genetics); PubMed 31219622 (cited by Ambry Genetics); PubMed 31560489 (cited by Ambry Genetics); PubMed 32164556 (cited by Ambry Genetics); PubMed 14644997 (cited by Laboratory for Molecular Medicine, Mass General Brigham Personalized Medicine); PubMed 19737548 (cited by Laboratory for Molecular Medicine, Mass General Brigham Personalized Medicine); PubMed 17361219 (cited by Laboratory for Molecular Medicine, Mass General Brigham Personalized Medicine); PubMed 16358218 (cited by Molecular Diagnostics Lab, Nemours Children's Health, Delaware); PubMed 20308328 (cited by Baylor Genetics); PubMed 32581362 (cited by NIHR Bioresource Rare Diseases, University of Cambridge).